The following is an entry in ClinVar:

NM_001291303.3(FAT4):c.12823-10T>C

Gene: FAT4 (FAT atypical cadherin 4; plus strand). Cytogenetic location: 4q28.1.
Variant type: single nucleotide variant.
Coding change: c.12823-10T>C on transcript NM_001291303.3 (MANE Select); 10 bases into the intron before coding-DNA position 12823, T replaced by C.
Molecular consequence: intron variant.
Genome position (GRCh38, 1-based): chr4:125,487,335, T>C. VCF-style: chr4-125487335-T-C. GRCh37 (hg19) VCF-style: chr4-126408490-T-C.
Other names: c.12823-10T>C (NM_001291285.3); c.12817-10T>C (NM_024582.6).
Identifiers: ClinVar variation 2754429 (VCV002754429.3), dbSNP rs2531043865, ClinGen allele CA2697546923.

ClinVar aggregate classification (germline): Uncertain significance (1 of 4 stars; one submission).

Submission:

Labcorp Genetics (formerly Invitae), Labcorp
Classification: Uncertain significance. Last evaluated: 2023-08-22. Review status: criteria provided, single submitter. Criteria: Invitae Variant Classification Sherloc (09022015). Collection method: clinical testing. Allele origin: germline.
Comment: In summary, the available evidence is currently insufficient to determine the role of this variant in disease. Therefore, it has been classified as a Variant of Uncertain Significance. Algorithms developed to predict the effect of sequence changes on RNA splicing suggest that this variant may create or strengthen a splice site. This variant has not been reported in the literature in individuals affected with FAT4-related conditions. This variant is not present in population databases (gnomAD no frequency). This sequence change falls in intron 15 of the FAT4 gene. It does not directly change the encoded amino acid sequence of the FAT4 protein.